The following is an entry in ClinVar:

NM_001145860.2(POP1):c.1605A>G (p.Lys535=)

Gene: POP1 (POP1 ribonuclease P/MRP subunit; plus strand). Cytogenetic location: 8q22.2.
Variant type: single nucleotide variant.
Coding change: c.1605A>G on transcript NM_001145860.2 (MANE Select); coding-DNA position 1605, A replaced by G.
Protein change: p.Lys535=; no amino-acid change (lysine 535 retained).
Molecular consequence: synonymous variant.
Genome position (GRCh38, 1-based): chr8:98,146,578, A>G. VCF-style: chr8-98146578-A-G. GRCh37 (hg19) VCF-style: chr8-99158806-A-G.
Other names: c.1605A>G, p.Lys535= (NM_001145861.2, NM_015029.3).
Identifiers: ClinVar variation 3389530 (VCV003389530.14).
Genomic context (GRCh38, chr8:98,146,578, plus strand): 5'-TTCATTGATCTGAAGGATGTGGTTTGAAGGCTATTTCTTTTCCCTCTTAGATAATGAGAA[A>G]GTTAGACAGCTGCTTCTGGAGGGTGTGCCTGTGGAATGTACGCATAGCTTTATCTGGAAC-3'
Protein context (NP_001139332.1, residues 525-545): PNPEKCQDNE[Lys535=]VRQLLLEGVP

ClinVar aggregate classification (germline): Likely benign (1 of 4 stars; one submission).

gnomAD v4.1: 1 of 1,613,266 alleles (0.000062%); highest among the groups gnomAD compares: Non-Finnish European, 0.000085%; no homozygotes.

Submission:

CeGaT Center for Human Genetics Tuebingen
Classification: Likely benign. Last evaluated: 2024-10-01. Review status: criteria provided, single submitter. Criteria: CeGaT Center For Human Genetics Tuebingen Variant Classification Criteria Version 2. Collection method: clinical testing. Allele origin: germline. Affected: yes. Observed: 1 variant allele.
Comment: POP1: BP4, BP7